The following is an entry in ClinVar:

NM_181507.2(HPS5):c.361C>T (p.His121Tyr)

Genes: HPS5 (HPS5 biogenesis of lysosomal organelles complex 2 subunit 2; minus strand), LOC130005404 (ATAC-STARR-seq lymphoblastoid active region 4495; plus strand). Cytogenetic location: 11p15.1.
Variant type: single nucleotide variant.
Coding change: c.361C>T on transcript NM_181507.2 (MANE Select); coding-DNA position 361, C replaced by T.
Protein change: p.His121Tyr; replaces histidine 121 with tyrosine.
Molecular consequence: missense variant.
Genome position (GRCh38, 1-based): chr11:18,310,857, G>A on the plus strand (C>T on the coding strand, the complement: HPS5 is on the minus strand). VCF-style: chr11-18310857-G-A. GRCh37 (hg19) VCF-style: chr11-18332404-G-A.
Other names: c.19C>T, p.His7Tyr (NM_007216.4, NM_181508.2); short protein forms H121Y, H7Y.
Identifiers: ClinVar variation 1410013 (VCV001410013.5), dbSNP rs758667099, ClinGen allele CA5910451.
Genomic context (GRCh38, chr11:18,310,857, plus strand): 5'-CTACAAAAACTCTAAGAATAGCTGTATCCCAGCAGAGAGCTGTGACTCTTCGGCCTTTGT[G>A]TTCTGAAGACACATACATTTGTTCCGGTTTCCCACGACGCTCTTGATTTAATTCCCAAAC-3'
Protein context (NP_852608.1, residues 111-131): KPEQMYVSSE[His121Tyr]KGRRVTALCW

ClinVar aggregate classification (germline): Uncertain significance (1 of 4 stars; one submission).

Allele frequency attached by ClinVar (database versions not stated): ExAC 0.00004; gnomAD exomes 0.00005 and 0.00008; gnomAD 0.00009.

Submission:

Labcorp Genetics (formerly Invitae), Labcorp
Classification: Uncertain significance. Last evaluated: 2022-10-13. Review status: criteria provided, single submitter. Criteria: Invitae Variant Classification Sherloc (09022015). Collection method: clinical testing. Allele origin: germline.
Comment: This sequence change replaces histidine, which is basic and polar, with tyrosine, which is neutral and polar, at codon 121 of the HPS5 protein (p.His121Tyr). This variant is present in population databases (rs758667099, gnomAD 0.02%). This variant has not been reported in the literature in individuals affected with HPS5-related conditions. ClinVar contains an entry for this variant (Variation ID: 1410013). Algorithms developed to predict the effect of missense changes on protein structure and function are either unavailable or do not agree on the potential impact of this missense change (SIFT: "Deleterious"; PolyPhen-2: "Probably Damaging"; Align-GVGD: "Class C0"). In summary, the available evidence is currently insufficient to determine the role of this variant in disease. Therefore, it has been classified as a Variant of Uncertain Significance.